The following is an entry in ClinVar:

ClinVar aggregate classification (germline): Benign/Likely benign. Review status: criteria provided, multiple submitters, no conflicts (2 of 4 stars). 2 submissions from 2 submitters: Benign (1); Likely benign (1). Last evaluated 2025-01-17.

Allele frequency attached by ClinVar (database versions not stated): TOPMed 0.00002; ExAC 0.00004; gnomAD 0.00004.
gnomAD v4.1: 32 of 1,208,632 alleles (0.0026%); highest among the groups gnomAD compares: South Asian, 0.012%; no homozygotes.

Submissions (2):

Labcorp Genetics (formerly Invitae), Labcorp
Classification: Benign. Last evaluated: 2025-01-17. Review status: criteria provided, single submitter. Criteria: Invitae Variant Classification Sherloc (09022015). Collection method: clinical testing. Allele origin: germline.

GeneDx
Classification: Likely benign. Last evaluated: 2018-06-05. Review status: criteria provided, single submitter. Criteria: GeneDx Variant Classification (06012015). Collection method: clinical testing. Allele origin: germline. Affected: yes.
Comment: This variant is considered likely benign or benign based on one or more of the following criteria: it is a conservative change, it occurs at a poorly conserved position in the protein, it is predicted to be benign by multiple in silico algorithms, and/or has population frequency not consistent with disease.

NM_001032382.2(PQBP1):c.384C>T (p.His128=)

Gene: PQBP1 (polyglutamine binding protein 1; plus strand). Cytogenetic location: Xp11.23.
Variant type: single nucleotide variant.
Coding change: c.384C>T on transcript NM_001032382.2 (MANE Select); coding-DNA position 384, C replaced by T.
Protein change: p.His128=; no amino-acid change (histidine 128 retained).
Molecular consequence: synonymous variant. On other transcripts: intron variant (2).
Genome position (GRCh38, 1-based): chrX:48,902,324, C>T. VCF-style: chrX-48902324-C-T. GRCh37 (hg19) VCF-style: chrX-48759601-C-T.
Other names: c.384C>T, p.His128= (NM_001032381.2, NM_001032383.2, NM_001032384.1 and 2 more transcripts); c.360C>T, p.His120= (NM_001167990.2); c.292+282C>T (NM_144495.3); c.202-118C>T (NM_001167992.1).
Identifiers: ClinVar variation 669031 (VCV000669031.3), dbSNP rs782819795, ClinGen allele CA10405913.
Genomic context (GRCh38, chrX:48,902,324, plus strand): 5'-CAAGTCGGACAGGGGCCATGACAAGTCGGACCGCAGCCATGAGAAACTAGACAGGGGCCA[C>T]GACAAGTCAGACCGGGGCCACGACAAGTCTGACAGGGATCGAGAGCGTGGCTATGACAAG-3'
Protein context (NP_001027554.1, residues 118-138): DRSHEKLDRG[His128=]DKSDRGHDKS